The following is an entry in ClinVar:

ClinVar aggregate classification (germline): Uncertain significance. Review status: criteria provided, multiple submitters, no conflicts (2 of 4 stars). 2 submissions from 2 submitters: Uncertain significance (2). Last evaluated 2020-07-02.

Conditions:
Epidermolysis bullosa simplex with nail dystrophy (EBS5D). Identifiers: MedGen C4225309, MONDO:0014661, OMIM 616487.
Epidermolysis bullosa simplex 5B, with muscular dystrophy (EBS5B). Also called: EPIDERMOLYSIS BULLOSA SIMPLEX AND LIMB-GIRDLE MUSCULAR DYSTROPHY; Epidermolysis bullosa simplex with muscular dystrophy. Identifiers: Orphanet 257, MedGen C2931072, MONDO:0009181, OMIM 226670.
Epidermolysis bullosa simplex, Ogna type (EBS5A). Also called: Pidermolysis bullosa simplex 5A, Ogna type; EPIDERMOLYSIS BULLOSA SIMPLEX 5A, OGNA TYPE. Identifiers: Orphanet 79401, MedGen C0432317, MONDO:0007555, OMIM 131950.
Autosomal recessive limb-girdle muscular dystrophy type 2Q (LGMDR17). Also called: MUSCULAR DYSTROPHY, LIMB-GIRDLE, AUTOSOMAL RECESSIVE 17. Identifiers: Orphanet 254361, MedGen C3150989, MONDO:0013390, OMIM 613723.
Epidermolysis bullosa simplex 5C, with pyloric atresia (EBS5C). Also called: PLEC-Related Epidermolysis Bullosa with Pyloric Atresia; Epidermolysis bullosa simplex with pyloric atresia; PLEC1-Related Epidermolysis Bullosa with Pyloric Atresia. Identifiers: Orphanet 158684, MedGen C2677349, MONDO:0012807, OMIM 612138.

Allele frequency attached by ClinVar (database versions not stated): TOPMed below 0.00001; gnomAD 0.00001.
gnomAD v4.1: 19 of 1,595,554 alleles (0.0012%); highest among the groups gnomAD compares: East Asian, 0.0022%; no homozygotes.

Submissions (2):

AiLife Diagnostics
Classification: Uncertain significance. Last evaluated: 2020-07-02. Review status: criteria provided, single submitter. Criteria: ACMG Guidelines, 2015. Collection method: clinical testing. Allele origin: germline. Affected: yes. Observed: 1 variant allele.

Labcorp Genetics (formerly Invitae), Labcorp
Classification: Uncertain significance for Autosomal recessive limb-girdle muscular dystrophy type 2Q; Epidermolysis bullosa simplex, Ogna type; Epidermolysis bullosa simplex with nail dystrophy; Epidermolysis bullosa simplex 5C, with pyloric atresia; Epidermolysis bullosa simplex 5B, with muscular dystrophy. Last evaluated: 2018-11-02. Review status: criteria provided, single submitter. Criteria: Invitae Variant Classification Sherloc (09022015). Collection method: clinical testing. Allele origin: germline.
Comment: In summary, the available evidence is currently insufficient to determine the role of this variant in disease. Therefore, it has been classified as a Variant of Uncertain Significance. Algorithms developed to predict the effect of missense changes on protein structure and function do not agree on the potential impact of this missense change (SIFT: "Deleterious"; PolyPhen-2: "Probably Damaging"; Align-GVGD: "Class C0"). This variant has not been reported in the literature in individuals with PLEC-related disease. This variant is not present in population databases (ExAC no frequency). This sequence change replaces arginine with glutamine at codon 1430 of the PLEC protein (p.Arg1430Gln). The arginine residue is moderately conserved and there is a small physicochemical difference between arginine and glutamine.

NM_201384.3(PLEC):c.4208G>A (p.Arg1403Gln)

Gene: PLEC (plectin; minus strand). Cytogenetic location: 8q24.3.
Variant type: single nucleotide variant.
Coding change: c.4208G>A on transcript NM_201384.3 (MANE Select); coding-DNA position 4208, G replaced by A.
Protein change: p.Arg1403Gln; replaces arginine 1403 with glutamine.
Molecular consequence: missense variant.
Genome position (GRCh38, 1-based): chr8:143,925,721, C>T on the plus strand (G>A on the coding strand, the complement: PLEC is on the minus strand). VCF-style: chr8-143925721-C-T. GRCh37 (hg19) VCF-style: chr8-144999889-C-T.
Other names: c.4289G>A, p.Arg1430Gln (NM_000445.5); c.4166G>A, p.Arg1389Gln (NM_201378.4); c.4142G>A, p.Arg1381Gln (NM_201379.3); c.4619G>A, p.Arg1540Gln (NM_201380.4); c.4112G>A, p.Arg1371Gln (NM_201381.3); c.4208G>A, p.Arg1403Gln (NM_201382.4); c.4220G>A, p.Arg1407Gln (NM_201383.3); short protein forms R1371Q, R1403Q, R1389Q, R1430Q, R1381Q, R1407Q, R1540Q.
Identifiers: ClinVar variation 538941 (VCV000538941.8), dbSNP rs1554703818, ClinGen allele CA372560494.
Genomic context (GRCh38, chr8:143,925,721, plus strand): 5'-TGCAGCTCCTCCTGAATGCTGCGCTTCTGCTGCTGCGCGTCCACCGCCGCCTCCTCCCGC[C>T]GCACCACCTCCTCCTGCATGCGCTGCTGCAGCTCCTTCGCCTCCCGCTCCGCCTGTGCCT-3'
Protein context (NP_958786.1, residues 1393-1413): LQQRMQEEVV[Arg1403Gln]REEAAVDAQQ